The following is an entry in ClinVar:

ClinVar aggregate classification (germline): Benign. Review status: criteria provided, multiple submitters, no conflicts (2 of 4 stars). 3 submissions from 3 submitters: Benign (2). 1 of the submissions does not count toward it. Last evaluated 2019-12-31.

Conditions:
CNTN4-related disorder. Also called: CNTN4-related condition.

Allele frequency attached by ClinVar (database versions not stated): ExAC 0.00164; gnomAD 0.00564 and 0.00594; ESP Exome Variant Server 0.00577; TOPMed 0.00609; 1000 Genomes Project 0.00659; 1000 Genomes Project 30x 0.00734.

Submissions (3):

Labcorp Genetics (formerly Invitae), Labcorp
Classification: Benign. Last evaluated: 2019-12-31. Review status: criteria provided, single submitter. Criteria: Invitae Variant Classification Sherloc (09022015). Collection method: clinical testing. Allele origin: germline.

Breakthrough Genomics
Classification: Benign. Review status: criteria provided, single submitter. Criteria: ACMG Guidelines, 2015. Collection method: not provided. Allele origin: germline. Inheritance: Unknown mechanism. Affected: yes.

PreventionGenetics, part of Exact Sciences
Classification: Benign for CNTN4-related condition. Last evaluated: 2019-08-13. Review status: no assertion criteria provided. Collection method: clinical testing. Allele origin: germline. Not counted in ClinVar's aggregate classification.
Comment: This variant is classified as benign based on ACMG/AMP sequence variant interpretation guidelines (Richards et al. 2015 PMID: 25741868, with internal and published modifications).

NM_175607.3(CNTN4):c.1060G>A (p.Glu354Lys)

Gene: CNTN4 (contactin 4; plus strand). Cytogenetic location: 3p26.2.
Variant type: single nucleotide variant.
Coding change: c.1060G>A on transcript NM_175607.3 (MANE Select); coding-DNA position 1060, G replaced by A.
Protein change: p.Glu354Lys; replaces glutamic acid 354 with lysine.
Molecular consequence: missense variant.
Genome position (GRCh38, 1-based): chr3:2,900,804, G>A. VCF-style: chr3-2900804-G-A. GRCh37 (hg19) VCF-style: chr3-2942488-G-A.
Other names: c.1060G>A, p.Glu354Lys (NM_001206955.2, NM_001350095.2); c.76G>A, p.Glu26Lys (NM_001206956.2, NM_175613.3); short protein forms E26K, E354K.
Identifiers: ClinVar variation 778062 (VCV000778062.7), dbSNP rs145270510, ClinGen allele CA2227226.